The following is an entry in ClinVar:

NM_213606.4(SLC16A12):c.49T>G (p.Trp17Gly)

Genes: SLC16A12 (solute carrier family 16 member 12; minus strand), SLC16A12-AS1 (SLC16A12 antisense RNA 1; plus strand). Cytogenetic location: 10q23.31.
Variant type: single nucleotide variant.
Coding change: c.49T>G on transcript NM_213606.4 (MANE Select); coding-DNA position 49, T replaced by G.
Protein change: p.Trp17Gly; replaces tryptophan 17 with glycine.
Molecular consequence: missense variant. On other transcripts: non-coding transcript variant (1).
Genome position (GRCh38, 1-based): chr10:89,462,530, A>C on the plus strand (T>G on the coding strand, the complement: SLC16A12 is on the minus strand). VCF-style: chr10-89462530-A-C. GRCh37 (hg19) VCF-style: chr10-91222287-A-C.
Other names: short protein forms W17G.
Identifiers: ClinVar variation 681342 (VCV000681342.10), dbSNP rs3740030, ClinGen allele CA5595625.

ClinVar aggregate classification (germline): Benign. Review status: criteria provided, multiple submitters, no conflicts (2 of 4 stars). 3 submissions from 3 submitters: Benign (3). Last evaluated 2026-01-26.

Allele frequency attached by ClinVar (database versions not stated): 1000 Genomes Project 30x 0.06449; ExAC 0.08354; ESP Exome Variant Server 0.06366; 1000 Genomes Project 0.06889; TOPMed 0.06084; gnomAD 0.06709 and 0.06758; gnomAD exomes 0.07956 and 0.08602.

Submissions (3):

Labcorp Genetics (formerly Invitae), Labcorp
Classification: Benign. Last evaluated: 2026-01-26. Review status: criteria provided, single submitter. Criteria: Invitae Variant Classification Sherloc (09022015). Collection method: clinical testing. Allele origin: germline.

GeneDx
Classification: Benign. Last evaluated: 2018-03-24. Review status: criteria provided, single submitter. Criteria: GeneDx Variant Classification (06012015). Collection method: clinical testing. Allele origin: germline. Affected: yes.
Comment: This variant is considered likely benign or benign based on one or more of the following criteria: it is a conservative change, it occurs at a poorly conserved position in the protein, it is predicted to be benign by multiple in silico algorithms, and/or has population frequency not consistent with disease.

Breakthrough Genomics
Classification: Benign. Review status: criteria provided, single submitter. Criteria: ACMG Guidelines, 2015. Collection method: not provided. Allele origin: germline. Inheritance: Autosomal dominant inheritance. Affected: yes.